The following is an entry in ClinVar:

NC_000004.11:g.(?_55094349)_(55127589_?)dup

Gene: PDGFRA (platelet derived growth factor receptor alpha; plus strand). Cytogenetic location: 4q12.
Variant type: Duplication.
Identifiers: ClinVar variation 2425528 (VCV002425528.3).

ClinVar aggregate classification (germline): Uncertain significance (1 of 4 stars; one submission).

Conditions:
Gastrointestinal stromal tumor. Also called: Gastrointestinal stroma tumor; Gastrointestinal stromal tumor, somatic. Identifiers: Orphanet 44890, MedGen C0238198, MeSH D046152, MONDO:0011719, OMIM 606764, HP:0100723.

Submission:

Labcorp Genetics (formerly Invitae), Labcorp
Classification: Uncertain significance for Gastrointestinal stromal tumor. Last evaluated: 2022-03-10. Review status: criteria provided, single submitter. Criteria: Invitae Variant Classification Sherloc (09022015). Collection method: clinical testing. Allele origin: germline.
Comment: In summary, the available evidence is currently insufficient to determine the role of this variant in disease. Therefore, it has been classified as a Variant of Uncertain Significance. This variant has not been reported in the literature in individuals affected with PDGFRA-related conditions. This variant results in a copy number gain of the genomic region encompassing exon(s) 1-3 of the PDGFRA gene. This region includes the initiator codon of the gene. This copy number gain extends beyond the assayed region for this gene and therefore may encompass additional genes. As the precise location of this event is unknown, it may be in tandem or it may be located elsewhere in the genome.